The following is an entry in ClinVar:

NM_001383.6(DPH1):c.76G>A (p.Gly26Ser)

Gene: DPH1 (diphthamide biosynthesis 1; plus strand). Cytogenetic location: 17p13.3.
Variant type: single nucleotide variant.
Coding change: c.76G>A on transcript NM_001383.6 (MANE Select); coding-DNA position 76, G replaced by A.
Protein change: p.Gly26Ser; replaces glycine 26 with serine.
Molecular consequence: missense variant. On other transcripts: 5 prime UTR variant (1), non-coding transcript variant (3).
Genome position (GRCh38, 1-based): chr17:2,033,519, G>A. VCF-style: chr17-2033519-G-A. GRCh37 (hg19) VCF-style: chr17-1936813-G-A.
Other names: c.91G>A, p.Gly31Ser (NM_001346574.1, NM_001346575.1); c.-208G>A (NM_001346576.2); short protein forms G31S, G26S.
Identifiers: ClinVar variation 4983397 (VCV004983397.1).

ClinVar aggregate classification (germline): Uncertain significance (1 of 4 stars; one submission).

Conditions:
DPH1-related disorder. Also called: DPH1-related condition.

gnomAD v4.1: 5 of 1,613,968 alleles (0.00031%); highest among the groups gnomAD compares: Non-Finnish European, 0.00042%; no homozygotes.

Submission:

PreventionGenetics, part of Exact Sciences
Classification: Uncertain significance for DPH1-related condition. Last evaluated: 2024-10-04. Review status: criteria provided, single submitter. Criteria: ACMG Guidelines, 2015. Collection method: clinical testing. Allele origin: germline.
Comment: The DPH1 c.91G>A variant is predicted to result in the amino acid substitution p.Gly31Ser. To our knowledge, this variant has not been reported in the literature. This variant is reported in 0.00088% of alleles in individuals of European (Non-Finnish) descent in gnomAD. At this time, the clinical significance of this variant is uncertain due to the absence of conclusive functional and genetic evidence.